The following is an entry in ClinVar:

NM_000061.3(BTK):c.839+5_839+6insAGAAATGTATGAGTAAGGCTGACTGTCTTTTCGGACTCAGCCCGCCTGCACCCAGGTGAAATAAACAGCCATGTTGCTCACACAAAGCCTGTNNNNNNNNNNAAAAAAAAAAAAAAAAAAAA

Gene: BTK (Bruton tyrosine kinase; minus strand). Cytogenetic location: Xq22.1.
Variant type: Insertion.
Coding change: c.839+5_839+6insAGAAATGTATGAGTAAGGCTGACTGTCTTTTCGGACTCAGCCCGCCTGCACCCAGGTGAAATAAACAGCCATGTTGCTCACACAAAGCCTGTNNNNNNNNNNAAAAAAAAAAAAAAAAAAAA on transcript NM_000061.3 (MANE Select); bases 5 to 6 of the intron after coding-DNA position 839, AGAAATGTATGAGTAAGGCTGACTGTCTTTTCGGACTCAGCCCGCCTGCACCCAGGTGAAATAAACAGCCATGTTGCTCACACAAAGCCTGTNNNNNNNNNNAAAAAAAAAAAAAAAAAAAA inserted.
Molecular consequence: splice donor variant.
Genome position: GRCh38: chrX:101,360,099-101,360,100. GRCh37 (hg19): chrX:100,615,087-100,615,088.
Other names: c.941+5_941+6insAGAAATGTATGAGTAAGGCTGACTGTCTTTTCGGACTCAGCCCGCCTGCACCCAGGTGAAATAAACAGCCATGTTGCTCACACAAAGCCTGTNNNNNNNNNNAAAAAAAAAAAAAAAAAAAA (NM_001287344.2); c.839+5_839+6insAGAAATGTATGAGTAAGGCTGACTGTCTTTTCGGACTCAGCCCGCCTGCACCCAGGTGAAATAAACAGCCATGTTGCTCACACAAAGCCTGTNNNNNNNNNNAAAAAAAAAAAAAAAAAAAA (NM_001287345.2).
Identifiers: ClinVar variation 2127474 (VCV002127474.4), dbSNP rs2520585203.

ClinVar aggregate classification (germline): Uncertain significance (1 of 4 stars; one submission).

Conditions:
X-linked agammaglobulinemia with growth hormone deficiency (IGHD3). Also called: ISOLATED GROWTH HORMONE DEFICIENCY, TYPE III, WITH AGAMMAGLOBULINEMIA; AGAMMAGLOBULINEMIA AND ISOLATED GROWTH HORMONE DEFICIENCY, X-LINKED; FLEISHER SYNDROME; HYPOGAMMAGLOBULINEMIA AND ISOLATED GROWTH HORMONE DEFICIENCY, X-LINKED; IGHD III; Isolated growth hormone deficiency type 3. Identifiers: Orphanet 231692, Orphanet 631, MedGen C0472813, MONDO:0010615, OMIM 307200.

Submission:

Labcorp Genetics (formerly Invitae), Labcorp
Classification: Uncertain significance for X-linked agammaglobulinemia with growth hormone deficiency. Last evaluated: 2022-04-17. Review status: criteria provided, single submitter. Criteria: Invitae Variant Classification Sherloc (09022015). Collection method: clinical testing. Allele origin: germline.
Comment: In summary, the available evidence is currently insufficient to determine the role of this variant in disease. Therefore, it has been classified as a Variant of Uncertain Significance. Variants that disrupt the consensus splice site are a relatively common cause of aberrant splicing (PMID: 17576681, 9536098). Algorithms developed to predict the effect of sequence changes on RNA splicing suggest that this variant may disrupt the consensus splice site. This variant has not been reported in the literature in individuals affected with BTK-related conditions. This variant is not present in population databases (gnomAD no frequency). This sequence change falls in intron 9 of the BTK gene. It does not directly change the encoded amino acid sequence of the BTK protein. It affects a nucleotide within the consensus splice site.

Literature cited by the submitters: PubMed 17576681; PubMed 9536098.